The following is an entry in ClinVar:

ClinVar aggregate classification (germline): Uncertain significance (1 of 4 stars; one submission).

Conditions:
Fanconi anemia complementation group J. Also called: BRIP1-Related Fanconi Anemia. Identifiers: Orphanet 84, MedGen C1836860, MONDO:0012187, OMIM 609054.
Familial cancer of breast. Also called: BREAST CANCER, FAMILIAL; hereditary breast carcinoma; Hereditary breast cancer. Identifiers: Orphanet 227535, MedGen C0346153, MONDO:0016419, OMIM 114480. Disease mechanism: loss of function.

Submission:

Labcorp Genetics (formerly Invitae), Labcorp
Classification: Uncertain significance for Familial cancer of breast; Fanconi anemia complementation group J. Last evaluated: 2018-10-31. Review status: criteria provided, single submitter. Criteria: Invitae Variant Classification Sherloc (09022015). Collection method: clinical testing. Allele origin: germline.
Comment: Algorithms developed to predict the effect of missense changes on protein structure and function do not agree on the potential impact of this missense change (SIFT: "Tolerated"; PolyPhen-2: "Probably Damaging"; Align-GVGD: "Class C0"). This variant has not been reported in the literature in individuals with BRIP1-related disease. This variant is not present in population databases (ExAC no frequency). This sequence change replaces aspartic acid with glycine at codon 674 of the BRIP1 protein (p.Asp674Gly). The aspartic acid residue is highly conserved and there is a moderate physicochemical difference between aspartic acid and glycine. Algorithms developed to predict the effect of sequence changes on RNA splicing suggest that this variant may create or strengthen a splice site, but this prediction has not been confirmed by published transcriptional studies. In summary, the available evidence is currently insufficient to determine the role of this variant in disease. Therefore, it has been classified as a Variant of Uncertain Significance.

NM_032043.3(BRIP1):c.2021A>G (p.Asp674Gly)

Gene: BRIP1 (BRCA1 interacting DNA helicase 1; minus strand). Cytogenetic location: 17q23.2.
Variant type: single nucleotide variant.
Coding change: c.2021A>G on transcript NM_032043.3 (MANE Select); coding-DNA position 2021, A replaced by G.
Protein change: p.Asp674Gly; replaces aspartic acid 674 with glycine.
Molecular consequence: missense variant.
Genome position (GRCh38, 1-based): chr17:61,776,477, T>C on the plus strand (A>G on the coding strand, the complement: BRIP1 is on the minus strand). VCF-style: chr17-61776477-T-C. GRCh37 (hg19) VCF-style: chr17-59853838-T-C.
Other names: short protein forms D674G.
Identifiers: ClinVar variation 530298 (VCV000530298.10), dbSNP rs1555601087, ClinGen allele CA400478304.